The following is an entry in ClinVar:

NM_001048174.2(MUTYH):c.216G>A (p.Leu72=)

Gene: MUTYH (mutY DNA glycosylase; minus strand). Cytogenetic location: 1p34.1.
Variant type: single nucleotide variant.
Coding change: c.216G>A on transcript NM_001048174.2 (MANE Select); coding-DNA position 216, G replaced by A.
Protein change: p.Leu72=; no amino-acid change (leucine 72 retained).
Molecular consequence: synonymous variant. On other transcripts: 5 prime UTR variant (4), non-coding transcript variant (2).
Genome position (GRCh38, 1-based): chr1:45,333,461, C>T on the plus strand (G>A on the coding strand, the complement: MUTYH is on the minus strand). VCF-style: chr1-45333461-C-T. GRCh37 (hg19) VCF-style: chr1-45799133-C-T.
Other names: c.216G>A, p.Leu72= (NM_001048171.2, NM_001048173.2, NM_001293195.2); c.219G>A, p.Leu73= (NM_001048172.2); c.300G>A, p.Leu100= (NM_001128425.2); c.261G>A, p.Leu87= (NM_001293190.2); c.249G>A, p.Leu83= (NM_001293191.2); c.-61G>A (NM_001293192.2, NM_001293196.2); c.-56G>A (NM_001350650.2, NM_001350651.2); c.291G>A, p.Leu97= (NM_012222.3).
Identifiers: ClinVar variation 219876 (VCV000219876.22), dbSNP rs766958451, ClinGen allele CA057277.
Genomic context (GRCh38, chr1:45,333,461, plus strand): 5'-TCGCCTGCCTACCCGTCTTCTCCATGGTAGGTCCCGTTTCTCTTGGTCGTACCAGCTTAG[C>T]AGGCTCCCTCGGAAGGCTGTGACTTCAGCTACGTCTCTGAATAGATGGTATGAGGAGACA-3'
Protein context (NP_001041639.1, residues 62-82): VAEVTAFRGS[Leu72=]LSWYDQEKRD

ClinVar aggregate classification (germline): Likely benign. Review status: criteria provided, multiple submitters, no conflicts (2 of 4 stars). 5 submissions from 5 submitters: Likely benign (5). Last evaluated 2026-01-07.

Conditions:
Hereditary cancer-predisposing syndrome. Also called: Tumor predisposition; Hereditary Cancer Syndrome; Neoplastic Syndromes, Hereditary; Hereditary neoplastic syndrome. Identifiers: Orphanet 140162, MedGen C0027672, MeSH D009386, MONDO:0015356.
Familial adenomatous polyposis 2. Also called: MYH-associated polyposis; FAP type 2; ADENOMAS, MULTIPLE COLORECTAL, AUTOSOMAL RECESSIVE; MUTYH Polyposis; MUTYH-associated polyposis; MUTYH-related attenuated familial adenomatous polyposis. Identifiers: Orphanet 220460, Orphanet 247798, MedGen C3272841, MONDO:0012041, OMIM 608456.

Allele frequency attached by ClinVar (database versions not stated): ExAC 0.00001; gnomAD 0.00001; gnomAD exomes 0.00001 and 0.00002; TOPMed 0.00001.
gnomAD v4.1: 28 of 1,614,144 alleles (0.0017%); highest among the groups gnomAD compares: Non-Finnish European, 0.0023%; no homozygotes.

Submissions (5):

Labcorp Genetics (formerly Invitae), Labcorp
Classification: Likely benign for Familial adenomatous polyposis 2. Last evaluated: 2026-01-07. Review status: criteria provided, single submitter. Criteria: Invitae Variant Classification Sherloc (09022015). Collection method: clinical testing. Allele origin: germline.

All of Us Research Program, National Institutes of Health
Classification: Likely benign for Familial adenomatous polyposis 2. Last evaluated: 2023-11-30. Review status: criteria provided, single submitter. Criteria: ACMG Guidelines, 2015. Collection method: clinical testing. Allele origin: germline. Inheritance: Autosomal recessive inheritance. Observed: 6 variant alleles, 6 heterozygotes.
Comment: This study involves interpretation of variants in research participants for the purpose of population health screening. Participant phenotype was not available at the time of variant classification. Additional details can be found in publication PMID: 35346344, PMCID: PMC8962531

GeneDx
Classification: Likely benign. Last evaluated: 2019-03-13. Review status: criteria provided, single submitter. Criteria: GeneDx Variant Classification Process June 2021. Collection method: clinical testing. Allele origin: germline. Affected: yes.

Color Diagnostics, LLC DBA Color Health
Classification: Likely benign for Hereditary cancer-predisposing syndrome. Last evaluated: 2017-06-26. Review status: criteria provided, single submitter. Criteria: ACMG Guidelines, 2015. Collection method: clinical testing. Allele origin: germline.

Ambry Genetics
Classification: Likely benign for Hereditary cancer-predisposing syndrome. Last evaluated: 2015-11-13. Review status: criteria provided, single submitter. Criteria: Ambry Variant Classification Scheme 2023. Collection method: clinical testing. Allele origin: germline.